The following is an entry in ClinVar:

NM_005188.4(CBL):c.1318G>A (p.Gly440Ser)

Gene: CBL (Cbl proto-oncogene; plus strand). Cytogenetic location: 11q23.3.
Variant type: single nucleotide variant.
Coding change: c.1318G>A on transcript NM_005188.4 (MANE Select); coding-DNA position 1318, G replaced by A.
Protein change: p.Gly440Ser; replaces glycine 440 with serine.
Molecular consequence: missense variant.
Genome position (GRCh38, 1-based): chr11:119,278,600, G>A. VCF-style: chr11-119278600-G-A. GRCh37 (hg19) VCF-style: chr11-119149310-G-A.
Other names: short protein forms G440S.
Identifiers: ClinVar variation 4613812 (VCV004613812.1).

ClinVar aggregate classification (germline): Uncertain significance (1 of 4 stars; one submission).

Conditions:
Cardiovascular phenotype. Identifiers: MedGen CN230736.

gnomAD v4.1: 3 of 1,613,982 alleles (0.00019%); highest among the groups gnomAD compares: Admixed American, 0.005%; no homozygotes.

Submission:

Ambry Genetics
Classification: Uncertain significance for Cardiovascular phenotype. Last evaluated: 2025-09-16. Review status: criteria provided, single submitter. Criteria: Ambry Variant Classification Scheme 2023. Collection method: clinical testing. Allele origin: germline.
Comment: The p.G440S variant (also known as c.1318G>A), located in coding exon 9 of the CBL gene, results from a G to A substitution at nucleotide position 1318. The glycine at codon 440 is replaced by serine, an amino acid with similar properties. This amino acid position is conserved. In addition, this alteration is predicted to be tolerated by in silico analysis. Based on the available evidence, the clinical significance of this variant remains unclear.